The following is an entry in ClinVar:

ClinVar aggregate classification (germline): Uncertain significance (1 of 4 stars; one submission).

Submission:

GeneDx
Classification: Uncertain significance. Last evaluated: 2026-03-30. Review status: criteria provided, single submitter. Criteria: GeneDx Variant Classification Process June 2021. Collection method: clinical testing. Allele origin: germline.
Comment: Not observed at significant frequency in large population cohorts (gnomAD); In silico analysis supports that this missense variant has a deleterious effect on protein structure/function; Has not been previously published as pathogenic or benign to our knowledge

NM_014991.6(WDFY3):c.1365A>T (p.Leu455Phe)

Gene: WDFY3 (WD repeat and FYVE domain containing 3; minus strand). Cytogenetic location: 4q21.23.
Variant type: single nucleotide variant.
Coding change: c.1365A>T on transcript NM_014991.6 (MANE Select); coding-DNA position 1365, A replaced by T.
Protein change: p.Leu455Phe; replaces leucine 455 with phenylalanine.
Molecular consequence: missense variant.
Genome position (GRCh38, 1-based): chr4:84,821,310, T>A on the plus strand (A>T on the coding strand, the complement: WDFY3 is on the minus strand). VCF-style: chr4-84821310-T-A. GRCh37 (hg19) VCF-style: chr4-85742463-T-A.
Other names: short protein forms L455F.
Identifiers: ClinVar variation 5017920 (VCV005017920.1).